The following is an entry in ClinVar:

ClinVar aggregate classification (germline): Pathogenic (1 of 4 stars; one submission).

Conditions:
Autosomal recessive nonsyndromic hearing loss 63. Identifiers: Orphanet 90636, MedGen C1969621, MONDO:0012670, OMIM 611451.

Submission:

Institute of Rare Diseases, West China Hospital, Sichuan University
Classification: Pathogenic for Autosomal recessive nonsyndromic hearing loss 63. Last evaluated: 2025-01-09. Review status: criteria provided, single submitter. Criteria: ClinGen HL ACMG Specifications v1. Collection method: research. Allele origin: germline. Affected: yes.
Comment: PVS1;PM3;PM2_Supporting

NM_001145308.5(LRTOMT):c.555+2T>G

Genes: ANAPC15 (anaphase promoting complex subunit 15; minus strand), LRTOMT (leucine rich transmembrane and O-methyltransferase domain containing; plus strand), TOMT (transmembrane O-methyltransferase; plus strand). Cytogenetic location: 11q13.4.
Variant type: single nucleotide variant.
Coding change: c.555+2T>G on transcript NM_001145308.5; the canonical splice donor site of the intron after coding-DNA position 555, T replaced by G.
Molecular consequence: splice donor variant. On other transcripts: 3 prime UTR variant (3), non-coding transcript variant (1), intron variant (7).
Genome position (GRCh38, 1-based): chr11:72,108,121, T>G. VCF-style: chr11-72108121-T-G. GRCh37 (hg19) VCF-style: chr11-71819167-T-G.
Other names: c.*698A>C (NM_001393443.1, NM_001393444.1, NM_001393445.1); c.555+2T>G (NM_001145309.4); c.435+2T>G (NM_001145310.4); c.456+2T>G (NM_001393500.2); c.64-516A>C (NM_001393459.1); c.319-516A>C (NM_001393430.1, NM_001393429.1, NM_001393428.1 and 3 more transcripts).
Identifiers: ClinVar variation 3601221 (VCV003601221.1).